The following is an entry in ClinVar:

ClinVar aggregate classification (germline): Likely benign (1 of 4 stars; one submission).

Allele frequency attached by ClinVar (database versions not stated): 1000 Genomes Project 30x 0.00016; gnomAD exomes 0.00028.
gnomAD v4.1: 414 of 1,614,198 alleles (0.026%); highest among the groups gnomAD compares: Non-Finnish European, 0.034%; no homozygotes.

Submission:

CeGaT Center for Human Genetics Tuebingen
Classification: Likely benign. Last evaluated: 2022-03-01. Review status: criteria provided, single submitter. Criteria: CeGaT Center For Human Genetics Tuebingen Variant Classification Criteria Version 2. Collection method: clinical testing. Allele origin: germline. Affected: yes. Observed: 1 variant allele.
Comment: CD101: BP4, BP7

NM_001256106.3(CD101):c.2649C>T (p.His883=)

Genes: CD101 (CD101 molecule; plus strand), CD101-AS1 (CD101 antisense RNA 1; minus strand). Cytogenetic location: 1p13.1.
Variant type: single nucleotide variant.
Coding change: c.2649C>T on transcript NM_001256106.3 (MANE Select); coding-DNA position 2649, C replaced by T.
Protein change: p.His883=; no amino-acid change (histidine 883 retained).
Molecular consequence: synonymous variant. On other transcripts: non-coding transcript variant (1).
Genome position (GRCh38, 1-based): chr1:117,025,729, C>T. VCF-style: chr1-117025729-C-T. GRCh37 (hg19) VCF-style: chr1-117568351-C-T.
Other names: c.2649C>T, p.His883= (NM_001256109.3, NM_004258.6); c.2463C>T, p.His821= (NM_001256111.3).
Identifiers: ClinVar variation 2639029 (VCV002639029.24), dbSNP rs534163385, ClinGen allele CA1028613.